The following is an entry in ClinVar:

NM_005559.4(LAMA1):c.1274G>C (p.Gly425Ala)

Gene: LAMA1 (laminin subunit alpha 1; minus strand). Cytogenetic location: 18p11.31.
Variant type: single nucleotide variant.
Coding change: c.1274G>C on transcript NM_005559.4 (MANE Select); coding-DNA position 1274, G replaced by C.
Protein change: p.Gly425Ala; replaces glycine 425 with alanine.
Molecular consequence: missense variant.
Genome position (GRCh38, 1-based): chr18:7,040,224, C>G on the plus strand (G>C on the coding strand, the complement: LAMA1 is on the minus strand). VCF-style: chr18-7040224-C-G. GRCh37 (hg19) VCF-style: chr18-7040223-C-G.
Other names: short protein forms G425A.
Identifiers: ClinVar variation 441028 (VCV000441028.22), dbSNP rs368665310, ClinGen allele CA8883027.

ClinVar aggregate classification (germline): Uncertain significance. Review status: criteria provided, multiple submitters, no conflicts (2 of 4 stars). 2 submissions from 2 submitters: Uncertain significance (2). Last evaluated 2024-09-18.

Conditions:
Ataxia - intellectual disability - oculomotor apraxia - cerebellar cysts syndrome. Also called: Poretti-Boltshauser syndrome. Identifiers: Orphanet 370022, MedGen C4014821, MONDO:0014419, OMIM 615960.

Allele frequency attached by ClinVar (database versions not stated): gnomAD exomes 0.00007; ESP Exome Variant Server 0.00008; gnomAD 0.00009; ExAC 0.00010; TOPMed 0.00011.
gnomAD v4.1: 214 of 1,614,024 alleles (0.013%); highest among the groups gnomAD compares: Non-Finnish European, 0.017%; 1 homozygote.

Submissions (2):

GeneDx
Classification: Uncertain significance. Last evaluated: 2024-09-18. Review status: criteria provided, single submitter. Criteria: GeneDx Variant Classification Process June 2021. Collection method: clinical testing. Allele origin: germline. Affected: yes.
Comment: In silico analysis supports that this missense variant has a deleterious effect on protein structure/function; Has not been previously published as pathogenic or benign to our knowledge

CeGaT Center for Human Genetics Tuebingen
Classification: Uncertain significance. Last evaluated: 2024-05-01. Review status: criteria provided, single submitter. Criteria: CeGaT Center For Human Genetics Tuebingen Variant Classification Criteria Version 2. Collection method: clinical testing. Allele origin: germline. Affected: yes. Observed: 1 variant allele.